The following is an entry in ClinVar:

ClinVar aggregate classification (germline): Pathogenic (1 of 4 stars; one submission).

Conditions:
Progeroid and marfanoid aspect-lipodystrophy syndrome. Also called: MARFANOID-PROGEROID SYNDROME; MARFAN-PROGEROID-LIPODYSTROPHY SYNDROME; Marfan lipodystrophy syndrome; MARFANOID-PROGEROID-LIPODYSTROPHY SYNDROME. Identifiers: Orphanet 300382, MedGen C4310796, MONDO:0014831, OMIM 616914.

Submission:

Centre for Mendelian Genomics, University Medical Centre Ljubljana
Classification: Pathogenic for Progeroid and marfanoid aspect-lipodystrophy syndrome. Last evaluated: 2019-06-22. Review status: criteria provided, single submitter. Criteria: ACMG Guidelines, 2015. Collection method: clinical testing. Allele origin: unknown. Affected: yes.
Comment: This variant was classified as: Pathogenic. The following ACMG criteria were applied in classifying this variant: PVS1,PM1,PM2,PP3.

NM_000138.5(FBN1):c.3222C>A (p.Cys1074Ter)

Gene: FBN1 (fibrillin 1; minus strand). Cytogenetic location: 15q21.1.
Variant type: single nucleotide variant.
Coding change: c.3222C>A on transcript NM_000138.5 (MANE Select); coding-DNA position 3222, C replaced by A.
Protein change: p.Cys1074Ter; replaces cysteine 1074 with a stop codon.
Molecular consequence: nonsense.
Genome position (GRCh38, 1-based): chr15:48,488,228, G>T on the plus strand (C>A on the coding strand, the complement: FBN1 is on the minus strand). VCF-style: chr15-48488228-G-T. GRCh37 (hg19) VCF-style: chr15-48780425-G-T.
Other names: short protein forms C1074*.
Identifiers: ClinVar variation 930751 (VCV000930751.3), dbSNP rs2043525934, ClinGen allele CA392327695.